The following is an entry in ClinVar:

NM_018847.4(KLHL9):c.969_976del (p.Ala324fs)

Gene: KLHL9 (kelch like family member 9; minus strand). Cytogenetic location: 9p21.3.
Variant type: Deletion.
Coding change: c.969_976del on transcript NM_018847.4 (MANE Select); coding-DNA positions 969 to 976, 8 bases deleted (GGCACAAG; older notation c.969_976delGGCACAAG).
Protein change: p.Ala324fs; shifts the reading frame from alanine 324.
Molecular consequence: frameshift variant.
Genome position (GRCh38, 1-based): chr9:21,333,884-21,333,891, CTTGTGCC deleted on the plus strand (GGCACAAG on the coding strand, the reverse complement: KLHL9 is on the minus strand); deleting any 8 consecutive bases within chr9:21,333,884-21,333,894 gives the same sequence; the c. name uses the placement nearest the transcript's 3' end. VCF-style (leftmost placement, unchanged base first): chr9-21333883-TCTTGTGCC-T. GRCh37 (hg19) VCF-style: chr9-21333882-TCTTGTGCC-T.
Other names: short protein forms A324fs.
Identifiers: ClinVar variation 2733855 (VCV002733855.3), dbSNP rs2537381098, ClinGen allele CA2697557679.

ClinVar aggregate classification (germline): Uncertain significance (1 of 4 stars; one submission).

Submission:

Labcorp Genetics (formerly Invitae), Labcorp
Classification: Uncertain significance. Last evaluated: 2023-06-30. Review status: criteria provided, single submitter. Criteria: Invitae Variant Classification Sherloc (09022015). Collection method: clinical testing. Allele origin: germline.
Comment: This sequence change creates a premature translational stop signal (p.Ala324Metfs*31) in the KLHL9 gene. While this is not anticipated to result in nonsense mediated decay, it is expected to disrupt the last 294 amino acid(s) of the KLHL9 protein. This variant is not present in population databases (gnomAD no frequency). This variant has not been reported in the literature in individuals affected with KLHL9-related conditions. In summary, the available evidence is currently insufficient to determine the role of this variant in disease. Therefore, it has been classified as a Variant of Uncertain Significance.